The following is an entry in ClinVar:

NM_207361.6(FREM2):c.6330T>G (p.Leu2110=)

Gene: FREM2 (FRAS1 related extracellular matrix 2; plus strand). Cytogenetic location: 13q13.3.
Variant type: single nucleotide variant.
Coding change: c.6330T>G on transcript NM_207361.6 (MANE Select); coding-DNA position 6330, T replaced by G.
Protein change: p.Leu2110=; no amino-acid change (leucine 2110 retained).
Molecular consequence: synonymous variant.
Genome position (GRCh38, 1-based): chr13:38,848,621, T>G. VCF-style: chr13-38848621-T-G. GRCh37 (hg19) VCF-style: chr13-39422758-T-G.
Identifiers: ClinVar variation 312006 (VCV000312006.16), dbSNP rs112083916, ClinGen allele CA6955517.

ClinVar aggregate classification (germline): Benign/Likely benign. Review status: criteria provided, multiple submitters, no conflicts (2 of 4 stars). 4 submissions from 4 submitters: Benign (3); Likely benign (1). Last evaluated 2026-01-31.

Conditions:
Fraser syndrome 2 (FRASRS2). Identifiers: MedGen C4540036, MONDO:0054738, OMIM 617666.

Allele frequency attached by ClinVar (database versions not stated): gnomAD exomes 0.00050 and 0.00117; ExAC 0.00126; 1000 Genomes Project 0.00359; ESP Exome Variant Server 0.00415; 1000 Genomes Project 30x 0.00437; gnomAD 0.00494 and 0.00535; TOPMed 0.00571.
gnomAD v4.1: 1,504 of 1,614,038 alleles (0.093%); highest among the groups gnomAD compares: African/African-American, 1.8%; 8 homozygotes.

Submissions (4):

Labcorp Genetics (formerly Invitae), Labcorp
Classification: Benign. Last evaluated: 2026-01-31. Review status: criteria provided, single submitter. Criteria: Invitae Variant Classification Sherloc (09022015). Collection method: clinical testing. Allele origin: germline.

Blueprint Genetics
Classification: Likely benign. Last evaluated: 2024-09-25. Review status: criteria provided, single submitter. Criteria: ACMG Guidelines, 2015. Collection method: clinical testing. Allele origin: germline.

Illumina Laboratory Services, Illumina
Classification: Benign for Fraser syndrome 2. Last evaluated: 2018-01-13. Review status: criteria provided, single submitter. Criteria: ICSL Variant Classification Criteria 13 December 2019. Collection method: clinical testing. Allele origin: germline.
Comment: This variant was observed in the ICSL laboratory as part of a predisposition screen in an ostensibly healthy population. It had not been previously curated by ICSL or reported in the Human Gene Mutation Database (HGMD: prior to June 1st, 2018), and was therefore a candidate for classification through an automated scoring system. Utilizing variant allele frequency, disease prevalence and penetrance estimates, and inheritance mode, an automated score was calculated to assess if this variant is too frequent to cause the disease. Based on the score and internal cut-off values, a variant classified as benign is not then subjected to further curation. The score for this variant resulted in a classification of benign for this disease.

Breakthrough Genomics
Classification: Benign. Review status: criteria provided, single submitter. Criteria: ACMG Guidelines, 2015. Collection method: not provided. Allele origin: germline. Inheritance: Autosomal recessive inheritance. Affected: yes.